The following is an entry in ClinVar:

NM_004168.4(SDHA):c.1354del (p.Leu452fs)

Gene: SDHA (succinate dehydrogenase complex flavoprotein subunit A; plus strand). Cytogenetic location: 5p15.33.
Variant type: Deletion.
Coding change: c.1354del on transcript NM_004168.4 (MANE Select); coding-DNA position 1354, one base deleted (C; older notation c.1354delC).
Protein change: p.Leu452fs; shifts the reading frame from leucine 452.
Molecular consequence: frameshift variant.
Genome position (GRCh38, 1-based): chr5:236,521, C deleted; the last of 2 consecutive C bases (chr5:236,520-236,521); deleting either gives the same sequence. VCF-style (leftmost placement, unchanged base first): chr5-236519-GC-G. GRCh37 (hg19) VCF-style: chr5-236634-GC-G.
Other names: c.1210del, p.Leu404fs (NM_001294332.2); c.1354del, p.Leu452fs (NM_001330758.2); short protein forms L404fs, L452fs.
Identifiers: ClinVar variation 2953443 (VCV002953443.3), dbSNP rs2477375957, ClinGen allele CA2740091612.

ClinVar aggregate classification (germline): Pathogenic (1 of 4 stars; one submission).

Conditions:
Mitochondrial complex II deficiency, nuclear type 1. Also called: SUCCINATE CoQ REDUCTASE DEFICIENCY. Identifiers: Orphanet 3208, MedGen C5700310, MONDO:0100294, OMIM 252011.
Pheochromocytoma/paraganglioma syndrome 5. Also called: Paragangliomas 5; SDHA-Related Hereditary Paraganglioma-Pheochromocytoma Syndrome. Identifiers: Orphanet 29072, MedGen C3279992, MONDO:0013602, OMIM 614165.

Submission:

Labcorp Genetics (formerly Invitae), Labcorp
Classification: Pathogenic for Pheochromocytoma/paraganglioma syndrome 5; Mitochondrial complex II deficiency, nuclear type 1. Last evaluated: 2023-11-01. Review status: criteria provided, single submitter. Criteria: Invitae Variant Classification Sherloc (09022015). Collection method: clinical testing. Allele origin: germline.
Comment: This sequence change creates a premature translational stop signal (p.Leu452Serfs*18) in the SDHA gene. It is expected to result in an absent or disrupted protein product. Loss-of-function variants in SDHA are known to be pathogenic (PMID: 22974104, 24781757). This variant is not present in population databases (gnomAD no frequency). This variant has not been reported in the literature in individuals affected with SDHA-related conditions. For these reasons, this variant has been classified as Pathogenic.

Literature cited by the submitters: PubMed 22974104; PubMed 24781757.